The following is an entry in ClinVar:

NM_017654.4(SAMD9):c.3827T>A (p.Val1276Asp)

Gene: SAMD9 (sterile alpha motif domain containing 9; minus strand). Cytogenetic location: 7q21.2.
Variant type: single nucleotide variant.
Coding change: c.3827T>A on transcript NM_017654.4 (MANE Select); coding-DNA position 3827, T replaced by A.
Protein change: p.Val1276Asp; replaces valine 1276 with aspartic acid.
Molecular consequence: missense variant.
Genome position (GRCh38, 1-based): chr7:93,102,271, A>T on the plus strand (T>A on the coding strand, the complement: SAMD9 is on the minus strand). VCF-style: chr7-93102271-A-T. GRCh37 (hg19) VCF-style: chr7-92731584-A-T.
Other names: c.3827T>A, p.Val1276Asp (NM_001193307.2); short protein forms V1276D.
Identifiers: ClinVar variation 2093979 (VCV002093979.1), dbSNP rs780478950, ClinGen allele CA4342629.
Genomic context (GRCh38, chr7:93,102,271, plus strand): 5'-ACCTTTCTCCGAGTTTTGGCCTCTTCATTTTGCTTAATATTGTTCCTGGGTTTTAGCAGG[A>T]CAAAGTATTCATCAAAAAAATCAAAGGACTTTTTCAAAGAAAATTTCAATTTAGTTAAAT-3'
Protein context (NP_060124.2, residues 1266-1286): KSFDFFDEYF[Val1276Asp]LLKPRNNIKQ

ClinVar aggregate classification (germline): Uncertain significance (1 of 4 stars; one submission).

Allele frequency attached by ClinVar (database versions not stated): gnomAD exomes 0.00001; ExAC 0.00002.
gnomAD v4.1: 10 of 1,613,202 alleles (0.00062%); highest among the groups gnomAD compares: South Asian, 0.0099%; no homozygotes.

Submission:

Labcorp Genetics (formerly Invitae), Labcorp
Classification: Uncertain significance. Last evaluated: 2022-02-06. Review status: criteria provided, single submitter. Criteria: Invitae Variant Classification Sherloc (09022015). Collection method: clinical testing. Allele origin: germline.
Comment: This sequence change replaces valine, which is neutral and non-polar, with aspartic acid, which is acidic and polar, at codon 1276 of the SAMD9 protein (p.Val1276Asp). This variant is present in population databases (rs780478950, gnomAD 0.007%). This variant has not been reported in the literature in individuals affected with SAMD9-related conditions. Algorithms developed to predict the effect of missense changes on protein structure and function are either unavailable or do not agree on the potential impact of this missense change (SIFT: "Deleterious"; PolyPhen-2: "Probably Damaging"; Align-GVGD: "Class C0"). Experimental studies have shown that this missense change does not substantially affect SAMD9 function (PMID: 27182967). In summary, the available evidence is currently insufficient to determine the role of this variant in disease. Therefore, it has been classified as a Variant of Uncertain Significance.

Literature cited by the submitters: PubMed 27182967.